The following is an entry in ClinVar:

ClinVar aggregate classification (germline): Uncertain significance (1 of 4 stars; one submission).

Conditions:
Pitt-Hopkins-like syndrome 2 (PTHSL2). Identifiers: Orphanet 221150, Orphanet 600663, MedGen C3280479, MONDO:0013690, OMIM 614325.

Submission:

Labcorp Genetics (formerly Invitae), Labcorp
Classification: Uncertain significance for Pitt-Hopkins-like syndrome 2. Last evaluated: 2022-12-25. Review status: criteria provided, single submitter. Criteria: Invitae Variant Classification Sherloc (09022015). Collection method: clinical testing. Allele origin: germline.
Comment: In summary, the available evidence is currently insufficient to determine the role of this variant in disease. Therefore, it has been classified as a Variant of Uncertain Significance. Advanced modeling of protein sequence and biophysical properties (such as structural, functional, and spatial information, amino acid conservation, physicochemical variation, residue mobility, and thermodynamic stability) performed at Invitae indicates that this missense variant is not expected to disrupt NRXN1 protein function. This variant has not been reported in the literature in individuals affected with NRXN1-related conditions. This variant is not present in population databases (gnomAD no frequency). This sequence change replaces glutamic acid, which is acidic and polar, with alanine, which is neutral and non-polar, at codon 1202 of the NRXN1 protein (p.Glu1202Ala).

NM_001330078.2(NRXN1):c.3485A>C (p.Glu1162Ala)

Gene: NRXN1 (neurexin 1; minus strand). Cytogenetic location: 2p16.3.
Variant type: single nucleotide variant.
Coding change: c.3485A>C on transcript NM_001330078.2 (MANE Select); coding-DNA position 3485, A replaced by C.
Protein change: p.Glu1162Ala; replaces glutamic acid 1162 with alanine.
Molecular consequence: missense variant.
Genome position (GRCh38, 1-based): chr2:50,236,850, T>G on the plus strand (A>C on the coding strand, the complement: NRXN1 is on the minus strand). VCF-style: chr2-50236850-T-G. GRCh37 (hg19) VCF-style: chr2-50463988-T-G.
Other names: c.3419A>C, p.Glu1140Ala (NM_001330083.2, NM_001330084.2); c.3605A>C, p.Glu1202Ala (NM_001135659.3); c.3461A>C, p.Glu1154Ala (NM_001330077.2, NM_001330082.2); c.3458A>C, p.Glu1153Ala (NM_001330085.2); c.3485A>C, p.Glu1162Ala (NM_001330086.2, NM_004801.6); c.3374A>C, p.Glu1125Ala (NM_001330087.2, NM_001330096.2); c.3404A>C, p.Glu1135Ala (NM_001330088.2); c.380A>C, p.Glu127Ala (NM_001330091.2, NM_001330092.2, NM_001330097.2 and 1 more transcripts); and 3 more; short protein forms E1125A, E1158A, E1145A, E1154A, E1161A, E1162A, E1202A, E1140A.
Identifiers: ClinVar variation 2016142 (VCV002016142.4), dbSNP rs1209524290, ClinGen allele CA346820896.